The following is an entry in ClinVar:

ClinVar aggregate classification (germline): Pathogenic (1 of 4 stars; one submission).

Submission:

CeGaT Center for Human Genetics Tuebingen
Classification: Pathogenic. Last evaluated: 2023-06-01. Review status: criteria provided, single submitter. Criteria: CeGaT Center For Human Genetics Tuebingen Variant Classification Criteria Version 2. Collection method: clinical testing. Allele origin: germline. Affected: yes. Observed: 1 variant allele.
Comment: PKHD1: PVS1, PM2

NM_138694.4(PKHD1):c.1959del (p.Glu654fs)

Gene: PKHD1 (PKHD1 ciliary IPT domain containing fibrocystin/polyductin; minus strand). Cytogenetic location: 6p12.2.
Variant type: Deletion.
Coding change: c.1959del on transcript NM_138694.4 (MANE Select); coding-DNA position 1959, one base deleted (C; older notation c.1959delC).
Protein change: p.Glu654fs; shifts the reading frame from glutamic acid 654.
Molecular consequence: frameshift variant.
Genome position (GRCh38, 1-based): chr6:52,054,043, G deleted on the plus strand (C on the coding strand, the reverse complement: PKHD1 is on the minus strand); the first of 4 consecutive G bases (chr6:52,054,043-52,054,046); deleting any one gives the same sequence. VCF-style (leftmost placement, unchanged base first): chr6-52054042-CG-C. GRCh37 (hg19) VCF-style: chr6-51918840-CG-C.
Other names: c.1959del, p.Glu654fs (NM_170724.3); short protein forms E654fs.
Identifiers: ClinVar variation 2579003 (VCV002579003.25), dbSNP rs2533285447, ClinGen allele CA2580617999.